The following is an entry in ClinVar:

NM_001378454.1(ALMS1):c.2105C>G (p.Ala702Gly)

Gene: ALMS1 (ALMS1 centrosome and basal body associated protein; plus strand). Cytogenetic location: 2p13.1.
Variant type: single nucleotide variant.
Coding change: c.2105C>G on transcript NM_001378454.1 (MANE Select); coding-DNA position 2105, C replaced by G.
Protein change: p.Ala702Gly; replaces alanine 702 with glycine.
Molecular consequence: missense variant.
Genome position (GRCh38, 1-based): chr2:73,448,632, C>G. VCF-style: chr2-73448632-C-G. GRCh37 (hg19) VCF-style: chr2-73675759-C-G.
Other names: c.2108C>G, p.Ala703Gly (NM_015120.4); short protein forms A702G, A703G.
Identifiers: ClinVar variation 2564337 (VCV002564337.2), dbSNP rs1671857082, ClinGen allele CA347266707.

ClinVar aggregate classification (germline): Uncertain significance (1 of 4 stars; one submission).

Conditions:
Cardiovascular phenotype. Identifiers: MedGen CN230736.

Allele frequency attached by ClinVar (database versions not stated): TOPMed 0.00001.

Submission:

Ambry Genetics
Classification: Uncertain significance for Cardiovascular phenotype. Last evaluated: 2023-05-05. Review status: criteria provided, single submitter. Criteria: Ambry Variant Classification Scheme 2023. Collection method: clinical testing. Allele origin: germline.
Comment: The p.A703G variant (also known as c.2108C>G), located in coding exon 8 of the ALMS1 gene, results from a C to G substitution at nucleotide position 2108. The alanine at codon 703 is replaced by glycine, an amino acid with similar properties. This amino acid position is well conserved in available vertebrate species. In addition, this alteration is predicted to be tolerated by in silico analysis. Since supporting evidence is limited at this time, the clinical significance of this alteration remains unclear.